The following is an entry in ClinVar:

NM_001367479.1(DNAH14):c.8746G>A (p.Glu2916Lys)

Gene: DNAH14 (dynein axonemal heavy chain 14; plus strand). Cytogenetic location: 1q42.12.
Variant type: single nucleotide variant.
Coding change: c.8746G>A on transcript NM_001367479.1 (MANE Select); coding-DNA position 8746, G replaced by A.
Protein change: p.Glu2916Lys; replaces glutamic acid 2916 with lysine.
Molecular consequence: missense variant.
Genome position (GRCh38, 1-based): chr1:225,303,270, G>A. VCF-style: chr1-225303270-G-A. GRCh37 (hg19) VCF-style: chr1-225490972-G-A.
Other names: NM_001373.1:c.8467G>A; short protein forms E2916K.
Identifiers: ClinVar variation 3503171 (VCV003503171.2).

ClinVar aggregate classification (germline): Uncertain significance. Review status: criteria provided, multiple submitters, no conflicts (2 of 4 stars). 2 submissions from 2 submitters: Uncertain significance (2). Last evaluated 2024-11-19.

gnomAD v4.1: 42 of 1,551,412 alleles (0.0027%); highest among the groups gnomAD compares: African/African-American, 0.052%; no homozygotes.

Submissions (2):

Ambry Genetics
Classification: Uncertain significance. Last evaluated: 2024-11-19. Review status: criteria provided, single submitter. Criteria: Ambry Variant Classification Scheme 2023. Collection method: clinical testing. Allele origin: germline.

GeneDx
Classification: Uncertain significance. Last evaluated: 2024-08-23. Review status: criteria provided, single submitter. Criteria: GeneDx Variant Classification Process June 2021. Collection method: clinical testing. Allele origin: germline. Affected: yes.
Comment: In silico analysis indicates that this missense variant does not alter protein structure/function; Has not been previously published as pathogenic or benign to our knowledge